The following is an entry in ClinVar:

NM_014423.4(AFF4):c.1918T>C (p.Ser640Pro)

Gene: AFF4 (ALF transcription elongation factor 4; minus strand). Cytogenetic location: 5q31.1.
Variant type: single nucleotide variant.
Coding change: c.1918T>C on transcript NM_014423.4 (MANE Select); coding-DNA position 1918, T replaced by C.
Protein change: p.Ser640Pro; replaces serine 640 with proline.
Molecular consequence: missense variant.
Genome position (GRCh38, 1-based): chr5:132,896,712, A>G on the plus strand (T>C on the coding strand, the complement: AFF4 is on the minus strand). VCF-style: chr5-132896712-A-G. GRCh37 (hg19) VCF-style: chr5-132232404-A-G.
Other names: short protein forms S640P.
Identifiers: ClinVar variation 2982490 (VCV002982490.3), dbSNP rs2532474574, ClinGen allele CA360936240.

ClinVar aggregate classification (germline): Uncertain significance (1 of 4 stars; one submission).

Conditions:
Cognitive impairment - coarse facies - heart defects - obesity - pulmonary involvement - short stature - skeletal dysplasia syndrome. Also called: COGNITIVE IMPAIRMENT, COARSE FACIES, HEART DEFECTS, OBESITY, PULMONARY INVOLVEMENT, SHORT STATURE, AND SKELETAL DYSPLASIA; Chops syndrome; AFF4-Related CHOPS Syndrome. Identifiers: Orphanet 444077, MedGen C4085597, MONDO:0014609, OMIM 616368.

Submission:

Labcorp Genetics (formerly Invitae), Labcorp
Classification: Uncertain significance for Cognitive impairment - coarse facies - heart defects - obesity - pulmonary involvement - short stature - skeletal dysplasia syndrome. Last evaluated: 2023-06-23. Review status: criteria provided, single submitter. Criteria: Invitae Variant Classification Sherloc (09022015). Collection method: clinical testing. Allele origin: germline.
Comment: In summary, the available evidence is currently insufficient to determine the role of this variant in disease. Therefore, it has been classified as a Variant of Uncertain Significance. Advanced modeling of protein sequence and biophysical properties (such as structural, functional, and spatial information, amino acid conservation, physicochemical variation, residue mobility, and thermodynamic stability) performed at Invitae indicates that this missense variant is not expected to disrupt AFF4 protein function. This variant has not been reported in the literature in individuals affected with AFF4-related conditions. This variant is not present in population databases (gnomAD no frequency). This sequence change replaces serine, which is neutral and polar, with proline, which is neutral and non-polar, at codon 640 of the AFF4 protein (p.Ser640Pro).